The following is an entry in ClinVar:

NM_016247.4(IMPG2):c.3126C>A (p.Tyr1042Ter)

Gene: IMPG2 (interphotoreceptor matrix proteoglycan 2; minus strand). Cytogenetic location: 3q12.3.
Variant type: single nucleotide variant.
Coding change: c.3126C>A on transcript NM_016247.4 (MANE Select); coding-DNA position 3126, C replaced by A.
Protein change: p.Tyr1042Ter; replaces tyrosine 1042 with a stop codon.
Molecular consequence: nonsense.
Genome position (GRCh38, 1-based): chr3:101,232,888, G>T on the plus strand (C>A on the coding strand, the complement: IMPG2 is on the minus strand). VCF-style: chr3-101232888-G-T. GRCh37 (hg19) VCF-style: chr3-100951732-G-T.
Other names: short protein forms Y1042*.
Identifiers: ClinVar variation 2118068 (VCV002118068.4), dbSNP rs1229588861, ClinGen allele CA353850159.

ClinVar aggregate classification (germline): Pathogenic (1 of 4 stars; one submission).

gnomAD v4.1: 1 of 1,613,804 alleles (0.000062%); highest among the groups gnomAD compares: African/African-American, 0.0013%; no homozygotes.

Submission:

Labcorp Genetics (formerly Invitae), Labcorp
Classification: Pathogenic. Last evaluated: 2023-08-17. Review status: criteria provided, single submitter. Criteria: Invitae Variant Classification Sherloc (09022015). Collection method: clinical testing. Allele origin: germline.
Comment: For these reasons, this variant has been classified as Pathogenic. ClinVar contains an entry for this variant (Variation ID: 2118068). This variant has not been reported in the literature in individuals affected with IMPG2-related conditions. This variant is not present in population databases (gnomAD no frequency). This sequence change creates a premature translational stop signal (p.Tyr1042*) in the IMPG2 gene. It is expected to result in an absent or disrupted protein product. Loss-of-function variants in IMPG2 are known to be pathogenic (PMID: 20673862).

Literature cited by the submitters: PubMed 20673862.